The following is an entry in ClinVar:

NM_000430.4(PAFAH1B1):c.399+134_399+135insA

Gene: PAFAH1B1 (platelet activating factor acetylhydrolase 1b regulatory subunit 1; plus strand). Cytogenetic location: 17p13.3.
Variant type: Insertion.
Coding change: c.399+134_399+135insA on transcript NM_000430.4 (MANE Select); bases 134 to 135 of the intron after coding-DNA position 399, A inserted.
Molecular consequence: intron variant.
Genome position: GRCh38 VCF-style: chr17-2667332-T-TA. GRCh37 (hg19) VCF-style: chr17-2570626-T-TA.
Identifiers: ClinVar variation 1699878 (VCV001699878.2), dbSNP rs1314692900, ClinGen allele CA624849710.
Genomic context (GRCh38, chr17:2,667,332, plus strand): 5'-TGCAGTGAGCCGAGATTGCACCACTGCACTCCAGCCTGGGCGACAGAGCCACACTCTGTC[T>TA]CAAAAAAAAAAAGCAGACTTAATAGGGTGAAGAAAATTAAAAGATCCTGAAAATGAGGGC-3'

ClinVar aggregate classification (germline): Likely benign (1 of 4 stars; one submission).

Submission:

GeneDx
Classification: Likely benign. Last evaluated: 2022-01-28. Review status: criteria provided, single submitter. Criteria: GeneDx Variant Classification Process June 2021. Collection method: clinical testing. Allele origin: germline. Affected: yes.
Comment: See Variant Classification Assertion Criteria.